The following is an entry in ClinVar:

NM_206933.4(USH2A):c.1364G>A (p.Ser455Asn)

Gene: USH2A (usherin; minus strand). Cytogenetic location: 1q41.
Variant type: single nucleotide variant.
Coding change: c.1364G>A on transcript NM_206933.4 (MANE Select); coding-DNA position 1364, G replaced by A.
Protein change: p.Ser455Asn; replaces serine 455 with asparagine.
Molecular consequence: missense variant.
Genome position (GRCh38, 1-based): chr1:216,323,660, C>T on the plus strand (G>A on the coding strand, the complement: USH2A is on the minus strand). VCF-style: chr1-216323660-C-T. GRCh37 (hg19) VCF-style: chr1-216497002-C-T.
Other names: c.1364G>A, p.Ser455Asn (NM_007123.6); short protein forms S455N.
Identifiers: ClinVar variation 1953020 (VCV001953020.5), dbSNP rs2037664511, ClinGen allele CA344910324.

ClinVar aggregate classification (germline): Uncertain significance (1 of 4 stars; one submission).

Allele frequency attached by ClinVar (database versions not stated): gnomAD exomes below 0.00001.
gnomAD v4.1: 3 of 1,613,406 alleles (0.00019%); highest among the groups gnomAD compares: Non-Finnish European, 0.00017%; no homozygotes.

Submission:

Labcorp Genetics (formerly Invitae), Labcorp
Classification: Uncertain significance. Last evaluated: 2022-06-01. Review status: criteria provided, single submitter. Criteria: Invitae Variant Classification Sherloc (09022015). Collection method: clinical testing. Allele origin: germline.
Comment: This variant has not been reported in the literature in individuals affected with USH2A-related conditions. This variant is not present in population databases (gnomAD no frequency). This sequence change replaces serine, which is neutral and polar, with asparagine, which is neutral and polar, at codon 455 of the USH2A protein (p.Ser455Asn). Algorithms developed to predict the effect of missense changes on protein structure and function are either unavailable or do not agree on the potential impact of this missense change (SIFT: "Tolerated"; PolyPhen-2: "Possibly Damaging"; Align-GVGD: "Class C0"). In summary, the available evidence is currently insufficient to determine the role of this variant in disease. Therefore, it has been classified as a Variant of Uncertain Significance.